The following is an entry in ClinVar:

NM_014391.3(ANKRD1):c.717C>T (p.Ile239=)

Gene: ANKRD1 (ankyrin repeat domain 1; minus strand). Cytogenetic location: 10q23.31.
Variant type: single nucleotide variant.
Coding change: c.717C>T on transcript NM_014391.3 (MANE Select); coding-DNA position 717, C replaced by T.
Protein change: p.Ile239=; no amino-acid change (isoleucine 239 retained).
Molecular consequence: synonymous variant.
Genome position (GRCh38, 1-based): chr10:90,915,815, G>A on the plus strand (C>T on the coding strand, the complement: ANKRD1 is on the minus strand). VCF-style: chr10-90915815-G-A. GRCh37 (hg19) VCF-style: chr10-92675572-G-A.
Identifiers: ClinVar variation 4822690 (VCV004822690.4).

ClinVar aggregate classification (germline): Likely benign (1 of 4 stars; one submission).

gnomAD v4.1: 1 of 1,613,794 alleles (0.000062%); highest among the groups gnomAD compares: Non-Finnish European, 0.000085%; no homozygotes.

Submission:

CeGaT Center for Human Genetics Tuebingen
Classification: Likely benign. Last evaluated: 2026-02-01. Review status: criteria provided, single submitter. Criteria: CeGaT Center For Human Genetics Tuebingen Variant Classification Criteria Version 2. Collection method: clinical testing. Allele origin: germline. Affected: yes. Observed: 1 variant allele.
Comment: ANKRD1: BP4, BP7